The following is an entry in ClinVar:

NM_006306.4(SMC1A):c.3367C>T (p.Arg1123Trp)

Gene: SMC1A (structural maintenance of chromosomes 1A; minus strand). Cytogenetic location: Xp11.22.
Variant type: single nucleotide variant.
Coding change: c.3367C>T on transcript NM_006306.4 (MANE Select); coding-DNA position 3367, C replaced by T.
Protein change: p.Arg1123Trp; replaces arginine 1123 with tryptophan.
Molecular consequence: missense variant.
Genome position (GRCh38, 1-based): chrX:53,382,302, G>A on the plus strand (C>T on the coding strand, the complement: SMC1A is on the minus strand). VCF-style: chrX-53382302-G-A. GRCh37 (hg19) VCF-style: chrX-53409223-G-A.
Other names: c.3301C>T, p.Arg1101Trp (NM_001281463.1); short protein forms R1101W, R1123W.
Identifiers: ClinVar variation 1460185 (VCV001460185.6), dbSNP rs2146582432, ClinGen allele CA413243379.

ClinVar aggregate classification (germline): Pathogenic (1 of 4 stars; one submission).

Conditions:
Congenital muscular hypertrophy-cerebral syndrome (CDLS2). Also called: SMC1A-Related Cornelia de Lange Syndrome; Cornelia de Lange syndrome 2. Identifiers: Orphanet 199, MedGen C1802395, MONDO:0010370, OMIM 300590.

Submission:

Labcorp Genetics (formerly Invitae), Labcorp
Classification: Pathogenic for Congenital muscular hypertrophy-cerebral syndrome. Last evaluated: 2022-09-01. Review status: criteria provided, single submitter. Criteria: Invitae Variant Classification Sherloc (09022015). Collection method: clinical testing. Allele origin: germline.
Comment: This missense change has been observed in individual(s) with Cornelia de Lange syndrome (PMID: 19701948). In at least one individual the variant was observed to be de novo. This sequence change replaces arginine, which is basic and polar, with tryptophan, which is neutral and slightly polar, at codon 1123 of the SMC1A protein (p.Arg1123Trp). This variant is not present in population databases (gnomAD no frequency). ClinVar contains an entry for this variant (Variation ID: 1460185). Advanced modeling of protein sequence and biophysical properties (such as structural, functional, and spatial information, amino acid conservation, physicochemical variation, residue mobility, and thermodynamic stability) performed at Invitae indicates that this missense variant is expected to disrupt SMC1A protein function. For these reasons, this variant has been classified as Pathogenic.

Literature cited by the submitters: PubMed 19701948.